The following is an entry in ClinVar:

NM_032638.5(GATA2):c.353T>C (p.Val118Ala)

Gene: GATA2 (GATA binding protein 2; minus strand). Cytogenetic location: 3q21.3.
Variant type: single nucleotide variant.
Coding change: c.353T>C on transcript NM_032638.5 (MANE Select); coding-DNA position 353, T replaced by C.
Protein change: p.Val118Ala; replaces valine 118 with alanine.
Molecular consequence: missense variant.
Genome position (GRCh38, 1-based): chr3:128,486,245, A>G on the plus strand (T>C on the coding strand, the complement: GATA2 is on the minus strand). VCF-style: chr3-128486245-A-G. GRCh37 (hg19) VCF-style: chr3-128205088-A-G.
Other names: c.353T>C, p.Val118Ala (NM_001145661.2, NM_001145662.1); c.353T>C (NM_032638.4); short protein forms V118A.
Identifiers: ClinVar variation 1043613 (VCV001043613.11), dbSNP rs2068697596, ClinGen allele CA354407163.

ClinVar aggregate classification (germline): Uncertain significance. Review status: criteria provided, multiple submitters, no conflicts (2 of 4 stars). 2 submissions from 2 submitters: Uncertain significance (2). Last evaluated 2025-07-16.

Conditions:
Inborn genetic diseases. Identifiers: MedGen C0950123, MeSH D030342.
Deafness-lymphedema-leukemia syndrome. Also called: Emberger syndrome; Lymphedema, primary, with myelodysplasia. Identifiers: Orphanet 3226, MedGen C3279664, MONDO:0013540, OMIM 614038.
Monocytopenia with susceptibility to infections. Also called: IMMUNODEFICIENCY 21; GATA2 DEFICIENCY; MONOCYTOPENIA AND MYCOBACTERIAL INFECTION SYNDROME; MONOCYTOPENIA WITH SUSCEPTIBILITY TO MYCOBACTERIAL, FUNGAL, AND PAPILLOMAVIRUS INFECTIONS AND MYELODYSPLASIA; COMBINED IMMUNODEFICIENCY WITH SUSCEPTIBILITY TO MYCOBACTERIAL, VIRAL, AND FUNGAL INFECTIONS; Dendritic cell, monocyte, B lymphocyte, and natural killer lymphocyte deficiency. Identifiers: Orphanet 228423, MedGen C3280030, MONDO:0013607, OMIM 614172.

Allele frequency attached by ClinVar (database versions not stated): gnomAD exomes below 0.00001.
gnomAD v4.1: 2 of 1,565,120 alleles (0.00013%); highest among the groups gnomAD compares: Non-Finnish European, 0.00017%; no homozygotes.

Submissions (2):

Ambry Genetics
Classification: Uncertain significance for Inborn genetic diseases. Last evaluated: 2025-07-16. Review status: criteria provided, single submitter. Criteria: Ambry Variant Classification Scheme 2023. Collection method: clinical testing. Allele origin: germline.
Comment: The p.V118A variant (also known as c.353T>C), located in coding exon 2 of the GATA2 gene, results from a T to C substitution at nucleotide position 353. The valine at codon 118 is replaced by alanine, an amino acid with similar properties. This amino acid position is conserved. In addition, this alteration is predicted to be deleterious by in silico analysis. Based on the available evidence, the clinical significance of this variant remains unclear.

Labcorp Genetics (formerly Invitae), Labcorp
Classification: Uncertain significance for Monocytopenia with susceptibility to infections; Deafness-lymphedema-leukemia syndrome. Last evaluated: 2022-01-23. Review status: criteria provided, single submitter. Criteria: Invitae Variant Classification Sherloc (09022015). Collection method: clinical testing. Allele origin: germline.
Comment: In summary, the available evidence is currently insufficient to determine the role of this variant in disease. Therefore, it has been classified as a Variant of Uncertain Significance. Advanced modeling of protein sequence and biophysical properties (such as structural, functional, and spatial information, amino acid conservation, physicochemical variation, residue mobility, and thermodynamic stability) performed at Invitae indicates that this missense variant is not expected to disrupt GATA2 protein function. ClinVar contains an entry for this variant (Variation ID: 1043613). This variant has not been reported in the literature in individuals affected with GATA2-related conditions. This variant is not present in population databases (gnomAD no frequency). This sequence change replaces valine, which is neutral and non-polar, with alanine, which is neutral and non-polar, at codon 118 of the GATA2 protein (p.Val118Ala).